The following is an entry in ClinVar:

ClinVar aggregate classification (germline): Uncertain significance (1 of 4 stars; one submission).

Conditions:
Usher syndrome type 3B. Also called: USHER SYNDROME, TYPE IIIB. Identifiers: MedGen C3281066, MONDO:0013788, OMIM 614504.

Submission:

Labcorp Genetics (formerly Invitae), Labcorp
Classification: Uncertain significance for Usher syndrome type 3B. Last evaluated: 2025-10-21. Review status: criteria provided, single submitter. Criteria: Invitae Variant Classification Sherloc (09022015). Collection method: clinical testing. Allele origin: germline.
Comment: This sequence change replaces tyrosine, which is neutral and polar, with cysteine, which is neutral and slightly polar, at codon 156 of the HARS protein (p.Tyr156Cys). This variant is not present in population databases (gnomAD no frequency). This variant has not been reported in the literature in individuals affected with HARS-related conditions. ClinVar contains an entry for this variant (Variation ID: 2729278). Invitae Evidence Modeling of protein sequence and biophysical properties (such as structural, functional, and spatial information, amino acid conservation, physicochemical variation, residue mobility, and thermodynamic stability) indicates that this missense variant is not expected to disrupt HARS protein function with a negative predictive value of 80%. Algorithms developed to predict the effect of sequence changes on RNA splicing suggest that this variant may disrupt the consensus splice site. In summary, the available evidence is currently insufficient to determine the role of this variant in disease. Therefore, it has been classified as a Variant of Uncertain Significance.

NM_002109.6(HARS1):c.467A>G (p.Tyr156Cys)

Gene: HARS1 (histidyl-tRNA synthetase 1; minus strand). Cytogenetic location: 5q31.3.
Variant type: single nucleotide variant.
Coding change: c.467A>G on transcript NM_002109.6 (MANE Select); coding-DNA position 467, A replaced by G.
Protein change: p.Tyr156Cys; replaces tyrosine 156 with cysteine.
Molecular consequence: missense variant. On other transcripts: intron variant (4).
Genome position (GRCh38, 1-based): chr5:140,679,057, T>C on the plus strand (A>G on the coding strand, the complement: HARS1 is on the minus strand). VCF-style: chr5-140679057-T-C. GRCh37 (hg19) VCF-style: chr5-140058642-T-C.
Other names: c.342+5A>G (NM_001258042.3); c.301-1042A>G (NM_001289092.2); c.462+5A>G (NM_001258041.3); c.347A>G, p.Tyr116Cys (NM_001258040.3); c.380A>G, p.Tyr127Cys (NM_001289094.2); c.181-1042A>G (NM_001289093.2); short protein forms Y116C, Y156C, Y127C.
Identifiers: ClinVar variation 2729278 (VCV002729278.3), dbSNP rs2481266146, ClinGen allele CA361257018.